The following is an entry in ClinVar:

ClinVar aggregate classification (germline): Likely benign. Review status: criteria provided, multiple submitters, no conflicts (2 of 4 stars). 2 submissions from 2 submitters: Likely benign (2). Last evaluated 2026-07-10.

Conditions:
P2RX2-related disorder. Also called: P2RX2-related condition.

Submissions (2):

PreventionGenetics, part of Exact Sciences
Classification: Likely benign for P2RX2-related condition. Last evaluated: 2026-07-10. Review status: criteria provided, single submitter. Criteria: ACMG Guidelines, 2015. Collection method: clinical testing. Allele origin: germline.
Comment: This variant is classified as likely benign based on ACMG/AMP sequence variant interpretation guidelines (Richards et al. 2015 PMID: 25741868, with internal and published modifications).

Blueprint Genetics
Classification: Likely benign. Last evaluated: 2024-08-01. Review status: criteria provided, single submitter. Criteria: ACMG Guidelines, 2015. Collection method: clinical testing. Allele origin: germline.

NM_170682.4(P2RX2):c.1218C>T (p.Pro406=)

Gene: P2RX2 (purinergic receptor P2X 2; plus strand). Cytogenetic location: 12q24.33.
Variant type: single nucleotide variant.
Coding change: c.1218C>T on transcript NM_170682.4 (MANE Select); coding-DNA position 1218, C replaced by T.
Protein change: p.Pro406=; no amino-acid change (proline 406 retained).
Molecular consequence: synonymous variant. On other transcripts: 3 prime UTR variant (1), intron variant (2).
Genome position (GRCh38, 1-based): chr12:132,621,774, C>T. VCF-style: chr12-132621774-C-T. GRCh37 (hg19) VCF-style: chr12-133198360-C-T.
Other names: c.*265C>T (NM_001282165.2); c.1002C>T, p.Pro334= (NM_012226.5); c.1146C>T, p.Pro382= (NM_016318.4); c.1296C>T, p.Pro432= (NM_170683.4); c.942C>T, p.Pro314= (NM_174872.3); c.1140+78C>T (NM_174873.3); c.1038+78C>T (NM_001282164.2); c.1296C>T (NM_170683.3).
Identifiers: ClinVar variation 4919236 (VCV004919236.2).
Genomic context (GRCh38, chr12:132,621,774, plus strand): 5'-CCCCTCAGGTAGCTGGCCTGTGACCCTTGCCCGTGTATTGGGCCAGGCCCCTCCCGAACC[C>T]GGCCACCGCTCCGAGGACCAGCACCCCAGCCCTCCATCAGGCCAGGAGGGCCAACAAGGG-3'
Protein context (NP_733782.1, residues 396-416): ARVLGQAPPE[Pro406=]GHRSEDQHPS